The following is an entry in ClinVar:

NM_001852.4(COL9A2):c.470C>A (p.Pro157His)

Gene: COL9A2 (collagen type IX alpha 2 chain; minus strand). Cytogenetic location: 1p34.2.
Variant type: single nucleotide variant.
Coding change: c.470C>A on transcript NM_001852.4 (MANE Select); coding-DNA position 470, C replaced by A.
Protein change: p.Pro157His; replaces proline 157 with histidine.
Molecular consequence: missense variant.
Genome position (GRCh38, 1-based): chr1:40,311,663, G>T on the plus strand (C>A on the coding strand, the complement: COL9A2 is on the minus strand). VCF-style: chr1-40311663-G-T. GRCh37 (hg19) VCF-style: chr1-40777335-G-T.
Other names: short protein forms P157H.
Identifiers: ClinVar variation 4986445 (VCV004986445.1).
Genomic context (GRCh38, chr1:40,311,663, plus strand): 5'-CTCAAAGACCCTTCTCCTTCCCCTGCACTTTGCCATGTCGGGGGTCTGGGGACACTTACA[G>T]GTTTCCCAGGGGGTCCTGGGGGCCCCGATGGTCCATCTGGTCCAGGGTCCCCCTGGAAGC-3'
Protein context (NP_001843.1, residues 147-167): PSGPPGPPGK[Pro157His]GRPGTIQGLE

ClinVar aggregate classification (germline): Uncertain significance (1 of 4 stars; one submission).

Conditions:
COL9A2-related disorder. Also called: COL9A2-related condition.

gnomAD v4.1: 3 of 1,613,990 alleles (0.00019%); highest among the groups gnomAD compares: Admixed American, 0.005%; no homozygotes.

Submission:

PreventionGenetics, part of Exact Sciences
Classification: Uncertain significance for COL9A2-related condition. Last evaluated: 2025-12-01. Review status: criteria provided, single submitter. Criteria: ACMG Guidelines, 2015. Collection method: clinical testing. Allele origin: germline.
Comment: The COL9A2 c.470C>A variant is predicted to result in the amino acid substitution p.Pro157His. To our knowledge, this variant has not been reported in the literature. This variant is reported in 0.0058% of alleles in individuals of Latino descent in gnomAD. At this time, the clinical significance of this variant is uncertain due to the absence of conclusive functional and genetic evidence.